The following is an entry in ClinVar:

NM_004304.5(ALK):c.2377G>C (p.Val793Leu)

Gene: ALK (ALK receptor tyrosine kinase; minus strand). Cytogenetic location: 2p23.2.
Variant type: single nucleotide variant.
Coding change: c.2377G>C on transcript NM_004304.5 (MANE Select); coding-DNA position 2377, G replaced by C.
Protein change: p.Val793Leu; replaces valine 793 with leucine.
Molecular consequence: missense variant.
Genome position (GRCh38, 1-based): chr2:29,233,675, C>G on the plus strand (G>C on the coding strand, the complement: ALK is on the minus strand). VCF-style: chr2-29233675-C-G. GRCh37 (hg19) VCF-style: chr2-29456541-C-G.
Other names: short protein forms V793L.
Identifiers: ClinVar variation 2586669 (VCV002586669.2), dbSNP rs866477765, ClinGen allele CA346472501.

ClinVar aggregate classification (germline): Uncertain significance (1 of 4 stars; one submission).

Conditions:
Hereditary cancer-predisposing syndrome. Also called: Hereditary neoplastic syndrome; Tumor predisposition; Hereditary Cancer Syndrome; Neoplastic Syndromes, Hereditary. Identifiers: Orphanet 140162, MedGen C0027672, MeSH D009386, MONDO:0015356.

Submission:

Ambry Genetics
Classification: Uncertain significance for Hereditary cancer-predisposing syndrome. Last evaluated: 2023-06-21. Review status: criteria provided, single submitter. Criteria: Ambry Variant Classification Scheme 2023. Collection method: clinical testing. Allele origin: germline.
Comment: The p.V793L variant (also known as c.2377G>C), located in coding exon 14 of the ALK gene, results from a G to C substitution at nucleotide position 2377. The valine at codon 793 is replaced by leucine, an amino acid with highly similar properties. This amino acid position is conserved. In addition, the in silico prediction for this alteration is inconclusive. Since supporting evidence is limited at this time, the clinical significance of this alteration remains unclear.